The following is an entry in ClinVar:

ClinVar aggregate classification (germline): Likely benign (0 of 4 stars; one submission).

Conditions:
ADCY3-related disorder. Also called: ADCY3-related condition.

gnomAD v4.1: 26 of 1,614,226 alleles (0.0016%); highest among the groups gnomAD compares: South Asian, 0.0022%; no homozygotes.

Submission:

PreventionGenetics, part of Exact Sciences
Classification: Likely benign for ADCY3-related condition. Last evaluated: 2019-05-08. Review status: no assertion criteria provided. Collection method: clinical testing. Allele origin: germline.
Comment: This variant is classified as likely benign based on ACMG/AMP sequence variant interpretation guidelines (Richards et al. 2015 PMID: 25741868, with internal and published modifications).

NM_004036.5(ADCY3):c.2664C>T (p.Asn888=)

Gene: ADCY3 (adenylate cyclase 3; minus strand). Cytogenetic location: 2p23.3.
Variant type: single nucleotide variant.
Coding change: c.2664C>T on transcript NM_004036.5 (MANE Select); coding-DNA position 2664, C replaced by T.
Protein change: p.Asn888=; no amino-acid change (asparagine 888 retained).
Molecular consequence: synonymous variant.
Genome position (GRCh38, 1-based): chr2:24,824,450, G>A on the plus strand (C>T on the coding strand, the complement: ADCY3 is on the minus strand). VCF-style: chr2-24824450-G-A. GRCh37 (hg19) VCF-style: chr2-25047319-G-A.
Other names: c.2667C>T, p.Asn889= (NM_001320613.2); c.2730C>T, p.Asn910= (NM_001377128.1); c.2526C>T, p.Asn842= (NM_001377129.1); c.2259C>T, p.Asn753= (NM_001377130.1); c.1941C>T, p.Asn647= (NM_001377131.1); c.2664C>T, p.Asn888= (NM_001377132.1).
Identifiers: ClinVar variation 3352696 (VCV003352696.1).